The following is an entry in ClinVar:

ClinVar aggregate classification (germline): Uncertain significance. Review status: criteria provided, multiple submitters, no conflicts (2 of 4 stars). 2 submissions from 2 submitters: Uncertain significance (2). Last evaluated 2024-12-04.

Conditions:
Inborn genetic diseases. Identifiers: MedGen C0950123, MeSH D030342.

Submissions (2):

Ambry Genetics
Classification: Uncertain significance for Inborn genetic diseases. Last evaluated: 2024-12-04. Review status: criteria provided, single submitter. Criteria: Ambry Variant Classification Scheme 2023. Collection method: clinical testing. Allele origin: germline.

Labcorp Genetics (formerly Invitae), Labcorp
Classification: Uncertain significance. Last evaluated: 2024-04-09. Review status: criteria provided, single submitter. Criteria: Invitae Variant Classification Sherloc (09022015). Collection method: clinical testing. Allele origin: germline.
Comment: This sequence change replaces proline, which is neutral and non-polar, with serine, which is neutral and polar, at codon 763 of the ITSN1 protein (p.Pro763Ser). This variant is not present in population databases (gnomAD no frequency). This variant has not been reported in the literature in individuals affected with ITSN1-related conditions. An algorithm developed to predict the effect of missense changes on protein structure and function (PolyPhen-2) suggests that this variant is likely to be tolerated. In summary, the available evidence is currently insufficient to determine the role of this variant in disease. Therefore, it has been classified as a Variant of Uncertain Significance.

NM_003024.3(ITSN1):c.2287C>T (p.Pro763Ser)

Gene: ITSN1 (intersectin 1; plus strand). Cytogenetic location: 21q22.11.
Variant type: single nucleotide variant.
Coding change: c.2287C>T on transcript NM_003024.3 (MANE Select); coding-DNA position 2287, C replaced by T.
Protein change: p.Pro763Ser; replaces proline 763 with serine.
Molecular consequence: missense variant.
Genome position (GRCh38, 1-based): chr21:33,799,912, C>T. VCF-style: chr21-33799912-C-T. GRCh37 (hg19) VCF-style: chr21-35172216-C-T.
Other names: c.2287C>T, p.Pro763Ser (NM_001001132.2, NM_001331008.2, NM_001331009.2 and 2 more transcripts); c.2176C>T, p.Pro726Ser (NM_001331012.2); short protein forms P763S, P726S.
Identifiers: ClinVar variation 3531027 (VCV003531027.3).
Genomic context (GRCh38, chr21:33,799,912, plus strand): 5'-GTGTATTACCGGGCACTGTACCCCTTTGAATCCAGAAGCCATGATGAAATCACTATCCAG[C>T]CAGGAGACATAGTCATGGTAAGAAAGACTCCAGTGAGAGGGTCATTTCTGTTGAAGATTA-3'
Protein context (NP_003015.2, residues 753-773): SRSHDEITIQ[Pro763Ser]GDIVMVKGEW